The following is an entry in ClinVar:

ClinVar aggregate classification (germline): Likely benign (0 of 4 stars; one submission).

Conditions:
ERBB4-related disorder. Also called: ERBB4-related condition.

gnomAD v4.1: 2 of 1,614,110 alleles (0.00012%); highest among the groups gnomAD compares: East Asian, 0.0022%; no homozygotes.

Submission:

PreventionGenetics, part of Exact Sciences
Classification: Likely benign for ERBB4-related condition. Last evaluated: 2024-06-20. Review status: no assertion criteria provided. Collection method: clinical testing. Allele origin: germline.
Comment: This variant is classified as likely benign based on ACMG/AMP sequence variant interpretation guidelines (Richards et al. 2015 PMID: 25741868, with internal and published modifications).

NM_005235.3(ERBB4):c.3408C>T (p.Ala1136=)

Gene: ERBB4 (erb-b2 receptor tyrosine kinase 4; minus strand). Cytogenetic location: 2q34.
Variant type: single nucleotide variant.
Coding change: c.3408C>T on transcript NM_005235.3 (MANE Select); coding-DNA position 3408, C replaced by T.
Protein change: p.Ala1136=; no amino-acid change (alanine 1136 retained).
Molecular consequence: synonymous variant.
Genome position (GRCh38, 1-based): chr2:211,386,926, G>A on the plus strand (C>T on the coding strand, the complement: ERBB4 is on the minus strand). VCF-style: chr2-211386926-G-A. GRCh37 (hg19) VCF-style: chr2-212251651-G-A.
Other names: c.3360C>T, p.Ala1120= (NM_001042599.2).
Identifiers: ClinVar variation 3358280 (VCV003358280.1).